The following is an entry in ClinVar:

ClinVar aggregate classification (germline): Uncertain significance (1 of 4 stars; one submission).

Conditions:
Epilepsy. Also called: Seizure disorder. Identifiers: MedGen C0014544, MeSH D004827, MONDO:0005027.

Submission:

Labcorp Genetics (formerly Invitae), Labcorp
Classification: Uncertain significance for Epilepsy. Last evaluated: 2022-08-31. Review status: criteria provided, single submitter. Criteria: Invitae Variant Classification Sherloc (09022015). Collection method: clinical testing. Allele origin: germline.
Comment: In summary, the available evidence is currently insufficient to determine the role of this variant in disease. Therefore, it has been classified as a Variant of Uncertain Significance. Variants that disrupt the consensus splice site are a relatively common cause of aberrant splicing (PMID: 17576681, 9536098). Algorithms developed to predict the effect of sequence changes on RNA splicing suggest that this variant may disrupt the consensus splice site. ClinVar contains an entry for this variant (Variation ID: 1001173). This variant has not been reported in the literature in individuals affected with PIGQ-related conditions. This variant is not present in population databases (gnomAD no frequency). This sequence change affects a donor splice site in intron 10 of the PIGQ gene. While this variant is not anticipated to result in nonsense mediated decay, it likely alters RNA splicing and results in a disrupted protein product.

Literature cited by the submitters: PubMed 17576681; PubMed 9536098.

NM_004204.5(PIGQ):c.1593+1G>T

Gene: PIGQ (phosphatidylinositol glycan anchor biosynthesis class Q; plus strand). Cytogenetic location: 16p13.3.
Variant type: single nucleotide variant.
Coding change: c.1593+1G>T on transcript NM_004204.5 (MANE Select); the canonical splice donor site of the intron after coding-DNA position 1593, G replaced by T.
Molecular consequence: splice donor variant. On other transcripts: intron variant (1).
Genome position (GRCh38, 1-based): chr16:582,310, G>T. VCF-style: chr16-582310-G-T. GRCh37 (hg19) VCF-style: chr16-632310-G-T.
Other names: c.1532-573G>T (NM_148920.4).
Identifiers: ClinVar variation 1001173 (VCV001001173.7), dbSNP rs2035827351, ClinGen allele CA394060752.